The following is an entry in ClinVar:

NM_018668.5(VPS33B):c.988del (p.Glu330fs)

Gene: VPS33B (VPS33B late endosome and lysosome associated; minus strand). Cytogenetic location: 15q26.1.
Variant type: Deletion.
Coding change: c.988del on transcript NM_018668.5 (MANE Select); coding-DNA position 988, one base deleted (G; older notation c.988delG).
Protein change: p.Glu330fs; shifts the reading frame from glutamic acid 330.
Molecular consequence: frameshift variant.
Genome position (GRCh38, 1-based): chr15:91,005,736, C deleted on the plus strand (G on the coding strand, the reverse complement: VPS33B is on the minus strand); the first of 2 consecutive C bases (chr15:91,005,736-91,005,737); deleting either gives the same sequence. VCF-style (leftmost placement, unchanged base first): chr15-91005735-TC-T. GRCh37 (hg19) VCF-style: chr15-91548965-TC-T.
Other names: c.907del, p.Glu303fs (NM_001289148.1); c.715del, p.Glu239fs (NM_001289149.1); c.988delG (NM_018668.4); short protein forms E303fs, E330fs, E239fs.
Identifiers: ClinVar variation 5000049 (VCV005000049.1).

ClinVar aggregate classification (germline): Likely pathogenic (1 of 4 stars; one submission).

Conditions:
VPS33B-related disorder. Also called: VPS33B-related condition.

Submission:

PreventionGenetics, part of Exact Sciences
Classification: Likely pathogenic for VPS33B-related condition. Last evaluated: 2025-06-25. Review status: criteria provided, single submitter. Criteria: ACMG Guidelines, 2015. Collection method: clinical testing. Allele origin: germline.
Comment: The VPS33B c.988delG variant is predicted to result in a frameshift and premature protein termination (p.Glu330Serfs*5). To our knowledge, this variant has not been reported in the literature or in a large population database (gnomAD), indicating this variant is rare. Frameshift variants in VPS33B are expected to be pathogenic. This variant is interpreted as likely pathogenic.